The following is an entry in ClinVar:

NM_001324418.2(ADAM22):c.703GAA[4] (p.Glu237_Thr238insGlu)

Gene: ADAM22 (ADAM metallopeptidase domain 22; plus strand). Cytogenetic location: 7q21.12.
Variant type: Microsatellite.
Coding change: c.703GAA[4] on transcript NM_001324418.2 (MANE Select); four copies in a row of the 3-base unit GAA starting at c.703; the reference has three copies in a row; one copy, 3 bases duplicated.
Protein change: p.Glu237_Thr238insGlu.
Molecular consequence: intron variant (on NM_001391982.1).
Genome position (GRCh38, 1-based): chr7:88,128,632-88,128,634, GAA duplicated; duplicating any 3 consecutive bases within chr7:88,128,625-88,128,634 gives the same sequence; the position shown is the placement nearest the transcript's 3' end. VCF-style (leftmost placement, unchanged base first): chr7-88128624-T-TAGA. GRCh37 (hg19) VCF-style: chr7-87757939-T-TAGA.
Other names: c.709_711dup (NM_021723.3); c.700GAA[4], p.Glu236_Thr237insGlu (NM_001324417.2, NM_001324419.2, NM_001391978.1 and 2 more transcripts); c.703GAA[4], p.Glu237_Thr238insGlu (NM_001324420.2, NM_001324421.2, NM_001391976.1 and 6 more transcripts); c.754GAA[4], p.Glu254_Thr255insGlu (NM_001391975.1, NM_001391980.1); c.730-1763AGA[4] (NM_001391982.1).
Identifiers: ClinVar variation 3044419 (VCV003044419.3), dbSNP rs529386106, ClinGen allele CA4330301.

ClinVar aggregate classification (germline): Uncertain significance. Review status: criteria provided, single submitter (1 of 4 stars). 2 submissions from 2 submitters: Uncertain significance (1). 1 of the submissions does not count toward it. Last evaluated 2026-03-19.

Conditions:
ADAM22-related disorder. Also called: ADAM22-related condition.

Submissions (2):

GeneDx
Classification: Uncertain significance. Last evaluated: 2026-03-19. Review status: criteria provided, single submitter. Criteria: GeneDx Variant Classification Process June 2021. Collection method: clinical testing. Allele origin: germline.
Comment: In-frame duplication of 1 amino acid in a non-repeat region; Has not been previously published as pathogenic or benign to our knowledge

PreventionGenetics, part of Exact Sciences
Classification: Likely benign for ADAM22-related condition. Last evaluated: 2022-02-11. Review status: no assertion criteria provided. Collection method: clinical testing. Allele origin: germline. Not counted in ClinVar's aggregate classification.
Comment: This variant is classified as likely benign based on ACMG/AMP sequence variant interpretation guidelines (Richards et al. 2015 PMID: 25741868, with internal and published modifications).